The following is an entry in ClinVar:

NM_001005273.3(CHD3):c.214-20T>C

Gene: CHD3 (chromodomain helicase DNA binding protein 3; plus strand). Cytogenetic location: 17p13.1.
Variant type: single nucleotide variant.
Coding change: c.214-20T>C on transcript NM_001005273.3 (MANE Select); 20 bases into the intron before coding-DNA position 214, T replaced by C.
Molecular consequence: intron variant.
Genome position (GRCh38, 1-based): chr17:7,890,551, T>C. VCF-style: chr17-7890551-T-C. GRCh37 (hg19) VCF-style: chr17-7793869-T-C.
Other names: c.391-20T>C (NM_001005271.3); c.214-20T>C (NM_005852.4).
Identifiers: ClinVar variation 931783 (VCV000931783.3), dbSNP rs1478890465, ClinGen allele CA624867076.

ClinVar aggregate classification (germline): Uncertain significance (1 of 4 stars; one submission).

Conditions:
Snijders Blok-Campeau syndrome. Also called: INTELLECTUAL DEVELOPMENTAL DISORDER WITH MACROCEPHALY, SPEECH DELAY, AND DYSMORPHIC FACIES. Identifiers: Orphanet 599082, MedGen C4748701, MONDO:0032600, OMIM 618205.

Allele frequency attached by ClinVar (database versions not stated): gnomAD exomes below 0.00001 and 0.00001; TOPMed below 0.00001.
gnomAD v4.1: 5 of 1,514,586 alleles (0.00033%); highest among the groups gnomAD compares: Non-Finnish European, 0.00027%; no homozygotes.

Submission:

Centre for Mendelian Genomics, University Medical Centre Ljubljana
Classification: Uncertain significance for Snijders Blok-Campeau syndrome. Last evaluated: 2019-12-20. Review status: criteria provided, single submitter. Criteria: ACMG Guidelines, 2015. Collection method: clinical testing. Allele origin: unknown. Affected: yes.
Comment: This variant was classified as: Uncertain significance. The available evidence on this variant's pathogenicity is insufficient or conflicting. The following ACMG criteria were applied in classifying this variant: BP4.